The following is an entry in ClinVar:

NM_001378454.1(ALMS1):c.802T>C (p.Ser268Pro)

Gene: ALMS1 (ALMS1 centrosome and basal body associated protein; plus strand). Cytogenetic location: 2p13.1.
Variant type: single nucleotide variant.
Coding change: c.802T>C on transcript NM_001378454.1 (MANE Select); coding-DNA position 802, T replaced by C.
Protein change: p.Ser268Pro; replaces serine 268 with proline.
Molecular consequence: missense variant.
Genome position (GRCh38, 1-based): chr2:73,424,467, T>C. VCF-style: chr2-73424467-T-C. GRCh37 (hg19) VCF-style: chr2-73651595-T-C.
Other names: c.805T>C, p.Ser269Pro (NM_015120.4); short protein forms S268P, S269P.
Identifiers: ClinVar variation 1408601 (VCV001408601.6), dbSNP rs2103714536, ClinGen allele CA347260477.
Genomic context (GRCh38, chr2:73,424,467, plus strand): 5'-TATTTTTAACTATATATTTTCAGGGGAATTCCTGATAAGTCTGAAGATACTGAATGGTCT[T>C]CTCGACCATCGGAAGTTAGTGAAGCTTTATTCCAGGCTACTGCAGAAGTAGCTTCAGACT-3'
Protein context (NP_001365383.1, residues 258-278): PDKSEDTEWS[Ser268Pro]RPSEVSEALF

ClinVar aggregate classification (germline): Uncertain significance (1 of 4 stars; one submission).

Conditions:
Alstrom syndrome (ALMS). Identifiers: Orphanet 64, MedGen C0268425, MONDO:0008763, OMIM 203800.

Submission:

Labcorp Genetics (formerly Invitae), Labcorp
Classification: Uncertain significance for Alstrom syndrome. Last evaluated: 2021-11-27. Review status: criteria provided, single submitter. Criteria: Invitae Variant Classification Sherloc (09022015). Collection method: clinical testing. Allele origin: germline.
Comment: In summary, the available evidence is currently insufficient to determine the role of this variant in disease. Therefore, it has been classified as a Variant of Uncertain Significance. Experimental studies and prediction algorithms are not available or were not evaluated, and the functional significance of this variant is currently unknown. This variant has not been reported in the literature in individuals affected with ALMS1-related conditions. This variant is not present in population databases (gnomAD no frequency). This sequence change replaces serine, which is neutral and polar, with proline, which is neutral and non-polar, at codon 269 of the ALMS1 protein (p.Ser269Pro).